The following is an entry in ClinVar:

ClinVar aggregate classification (germline): Uncertain significance (1 of 4 stars; one submission).

Allele frequency attached by ClinVar (database versions not stated): gnomAD 0.00001; TOPMed 0.00001.
gnomAD v4.1: 4 of 1,538,414 alleles (0.00026%); highest among the groups gnomAD compares: Middle Eastern, 0.019%; no homozygotes.

Submission:

Labcorp Genetics (formerly Invitae), Labcorp
Classification: Uncertain significance. Last evaluated: 2023-07-10. Review status: criteria provided, single submitter. Criteria: Invitae Variant Classification Sherloc (09022015). Collection method: clinical testing. Allele origin: germline.
Comment: In summary, the available evidence is currently insufficient to determine the role of this variant in disease. Therefore, it has been classified as a Variant of Uncertain Significance. An algorithm developed to predict the effect of missense changes on protein structure and function (PolyPhen-2) suggests that this variant is likely to be disruptive. ClinVar contains an entry for this variant (Variation ID: 1945244). This variant has not been reported in the literature in individuals affected with ARHGEF18-related conditions. This variant is not present in population databases (gnomAD no frequency). This sequence change replaces arginine, which is basic and polar, with glycine, which is neutral and non-polar, at codon 854 of the ARHGEF18 protein (p.Arg854Gly).

NM_001367823.1(ARHGEF18):c.3124C>G (p.Arg1042Gly)

Gene: ARHGEF18 (Rho/Rac guanine nucleotide exchange factor 18; plus strand). Cytogenetic location: 19p13.2.
Variant type: single nucleotide variant.
Coding change: c.3124C>G on transcript NM_001367823.1 (MANE Select); coding-DNA position 3124, C replaced by G.
Protein change: p.Arg1042Gly; replaces arginine 1042 with glycine.
Molecular consequence: missense variant.
Genome position (GRCh38, 1-based): chr19:7,467,328, C>G. VCF-style: chr19-7467328-C-G. GRCh37 (hg19) VCF-style: chr19-7532214-C-G.
Other names: c.2398C>G, p.Arg800Gly (NM_001130955.2); c.2086C>G, p.Arg696Gly (NM_001367824.1, NM_015318.4); short protein forms R1042G, R800G, R696G.
Identifiers: ClinVar variation 1945244 (VCV001945244.5), dbSNP rs936114532, ClinGen allele CA304856475.